The following is an entry in ClinVar:

ClinVar aggregate classification (germline): Likely benign (1 of 4 stars; one submission).

Submission:

CeGaT Center for Human Genetics Tuebingen
Classification: Likely benign. Last evaluated: 2022-11-01. Review status: criteria provided, single submitter. Criteria: CeGaT Center For Human Genetics Tuebingen Variant Classification Criteria Version 2. Collection method: clinical testing. Allele origin: germline. Affected: yes. Observed: 1 variant allele.
Comment: ARX: BP4, BP7

NM_139058.3(ARX):c.462G>A (p.Ala154=)

Genes: ARX (aristaless related homeobox; minus strand), LOC109610631 (aristaless related homeobox polyalanine expansion region; plus strand). Cytogenetic location: Xp21.3.
Variant type: single nucleotide variant.
Coding change: c.462G>A on transcript NM_139058.3 (MANE Select); coding-DNA position 462, G replaced by A.
Protein change: p.Ala154=; no amino-acid change (alanine 154 retained).
Molecular consequence: synonymous variant.
Genome position (GRCh38, 1-based): chrX:25,013,533, C>T on the plus strand (G>A on the coding strand, the complement: ARX is on the minus strand). VCF-style: chrX-25013533-C-T. GRCh37 (hg19) VCF-style: chrX-25031650-C-T.
Identifiers: ClinVar variation 2660200 (VCV002660200.24), dbSNP rs1291548880, ClinGen allele CA515947647.